The following is an entry in ClinVar:

NM_000260.4(MYO7A):c.139_161dup (p.His55fs)

Gene: MYO7A (myosin VIIA; plus strand). Cytogenetic location: 11q13.5.
Variant type: Duplication.
Coding change: c.139_161dup on transcript NM_000260.4 (MANE Select); coding-DNA positions 139 to 161, 23 bases duplicated (TGGATCTCTCCGCAGAACGCAAC).
Protein change: p.His55fs; shifts the reading frame from histidine 55.
Molecular consequence: frameshift variant.
Genome position (GRCh38, 1-based): chr11:77,147,804-77,147,826, TGGATCTCTCCGCAGAACGCAAC duplicated; duplicating any 23 consecutive bases within chr11:77,147,802-77,147,826 gives the same sequence; the c. name uses the placement nearest the transcript's 3' end. VCF-style (leftmost placement, unchanged base first): chr11-77147801-C-CACTGGATCTCTCCGCAGAACGCA. GRCh37 (hg19) VCF-style: chr11-76858847-C-CACTGGATCTCTCCGCAGAACGCA.
Other names: c.139_161dup, p.His55fs (NM_001127180.2); c.106_128dup, p.His44fs (NM_001369365.1); short protein forms H55fs, H44fs.
Identifiers: ClinVar variation 2771431 (VCV002771431.3), dbSNP rs2496573317, ClinGen allele CA2697548835.
Genomic context (GRCh38, chr11:77,147,801, plus strand): 5'-CCTGAAGTGCGCAGCCTGGGCCCCAGGAGAGCACGCTGACGTTCTGGCTCCCCGCAGGAA[C>CACTGGATCTCTCCGCAGAACGCA]ACTGGATCTCTCCGCAGAACGCAACGCACATCAAGCCTATGCACCCCACGTCGGTCCACG-3'

ClinVar aggregate classification (germline): Pathogenic (1 of 4 stars; one submission).

Submission:

Labcorp Genetics (formerly Invitae), Labcorp
Classification: Pathogenic. Last evaluated: 2024-04-15. Review status: criteria provided, single submitter. Criteria: Invitae Variant Classification Sherloc (09022015). Collection method: clinical testing. Allele origin: germline.
Comment: This sequence change creates a premature translational stop signal (p.His55Glyfs*24) in the MYO7A gene. It is expected to result in an absent or disrupted protein product. Loss-of-function variants in MYO7A are known to be pathogenic (PMID: 8900236, 25404053). This variant is not present in population databases (gnomAD no frequency). This variant has not been reported in the literature in individuals affected with MYO7A-related conditions. For these reasons, this variant has been classified as Pathogenic.

Literature cited by the submitters: PubMed 8900236; PubMed 25404053.